The following is an entry in ClinVar:

ClinVar aggregate classification (germline): Uncertain significance (1 of 4 stars; one submission).

Conditions:
Generalized epilepsy with febrile seizures plus, type 9 (GEFSP9). Also called: GEFS+, TYPE 9. Identifiers: Orphanet 36387, MedGen C4015395, MONDO:0014517, OMIM 616172.

Submission:

Labcorp Genetics (formerly Invitae), Labcorp
Classification: Uncertain significance for Generalized epilepsy with febrile seizures plus, type 9. Last evaluated: 2024-05-04. Review status: criteria provided, single submitter. Criteria: Invitae Variant Classification Sherloc (09022015). Collection method: clinical testing. Allele origin: germline.
Comment: This sequence change replaces methionine, which is neutral and non-polar, with leucine, which is neutral and non-polar, at codon 218 of the STX1B protein (p.Met218Leu). This variant is not present in population databases (gnomAD no frequency). This variant has not been reported in the literature in individuals affected with STX1B-related conditions. Advanced modeling of protein sequence and biophysical properties (such as structural, functional, and spatial information, amino acid conservation, physicochemical variation, residue mobility, and thermodynamic stability) performed at Invitae indicates that this missense variant is not expected to disrupt STX1B protein function with a negative predictive value of 80%. In summary, the available evidence is currently insufficient to determine the role of this variant in disease. Therefore, it has been classified as a Variant of Uncertain Significance.

NM_052874.5(STX1B):c.652A>C (p.Met218Leu)

Gene: STX1B (syntaxin 1B; minus strand). Cytogenetic location: 16p11.2.
Variant type: single nucleotide variant.
Coding change: c.652A>C on transcript NM_052874.5 (MANE Select); coding-DNA position 652, A replaced by C.
Protein change: p.Met218Leu; replaces methionine 218 with leucine.
Molecular consequence: missense variant.
Genome position (GRCh38, 1-based): chr16:30,993,370, T>G on the plus strand (A>C on the coding strand, the complement: STX1B is on the minus strand). VCF-style: chr16-30993370-T-G. GRCh37 (hg19) VCF-style: chr16-31004691-T-G.
Other names: short protein forms M218L.
Identifiers: ClinVar variation 3642151 (VCV003642151.2).